The following is an entry in ClinVar:

NM_000404.4(GLB1):c.792+10G>T

Gene: GLB1 (galactosidase beta 1; minus strand). Cytogenetic location: 3p22.3.
Variant type: single nucleotide variant.
Coding change: c.792+10G>T on transcript NM_000404.4 (MANE Select); 10 bases into the intron after coding-DNA position 792, G replaced by T.
Molecular consequence: intron variant.
Genome position (GRCh38, 1-based): chr3:33,053,481, C>A on the plus strand (G>T on the coding strand, the complement: GLB1 is on the minus strand). VCF-style: chr3-33053481-C-A. GRCh37 (hg19) VCF-style: chr3-33094973-C-A.
Other names: c.792+10G>T (NM_000404.3, NM_001393580.1); c.399+10G>T (NM_001135602.3); c.936+10G>T (NM_001317040.2); c.702+10G>T (NM_001079811.3).
Identifiers: ClinVar variation 92914 (VCV000092914.22), dbSNP rs79518579, ClinGen allele CA146082.

ClinVar aggregate classification (germline): Benign/Likely benign. Review status: criteria provided, multiple submitters, no conflicts (2 of 4 stars). 12 submissions from 10 submitters: Benign (8); Likely benign (3). 1 of the submissions does not count toward it. Last evaluated 2026-02-04.

Conditions:
Infantile GM1 gangliosidosis. Also called: Gangliosidosis, Generalized GM1, Type 1; GM1 gangliosidosis type 1; GM1-gangliosidosis, type I; Gangliosidosis, generalized GM1, infantile form; GLB1 deficiency. Identifiers: Orphanet 354, Orphanet 79255, MedGen C0268271, MONDO:0009260, OMIM 230500.
GM1 gangliosidosis. Identifiers: Orphanet 354, MedGen C0085131, MONDO:0018149.
Mucopolysaccharidosis, MPS-IV-B (MPS4B). Also called: Mucopolysaccharidosis type 4B; Mucopolysaccharidosis type IV B; Mucopolysaccharidosis type IVB (Morquio); Mucopolysaccharidosis Type IVB (Morquio B Disease); MPS IVB; MORQUIO SYNDROME B. Identifiers: Orphanet 309310, Orphanet 582, MedGen C0086652, MONDO:0009660, OMIM 253010.

Allele frequency attached by ClinVar (database versions not stated): ESP Exome Variant Server 0.05285; TOPMed 0.05926; 1000 Genomes Project 0.06130; 1000 Genomes Project 30x 0.06246.
gnomAD v4.1: 59,922 of 1,614,012 alleles (3.7%); highest among the groups gnomAD compares: African/African-American, 12%; 1,582 homozygotes.

Submissions (12):

Labcorp Genetics (formerly Invitae), Labcorp
Classification: Benign for Mucopolysaccharidosis, MPS-IV-B; GM1 gangliosidosis. Last evaluated: 2026-02-04. Review status: criteria provided, single submitter. Criteria: Invitae Variant Classification Sherloc (09022015). Collection method: clinical testing. Allele origin: germline.

Blueprint Genetics
Classification: Benign. Last evaluated: 2024-11-26. Review status: criteria provided, single submitter. Criteria: ACMG Guidelines, 2015. Collection method: clinical testing. Allele origin: germline.

Women's Health and Genetics/Laboratory Corporation of America, LabCorp
Classification: Benign. Last evaluated: 2021-12-10. Review status: criteria provided, single submitter. Criteria: LabCorp Variant Classification Summary - May 2015. Collection method: clinical testing. Allele origin: germline.

Pars Genome Lab
Classification: Benign for Infantile GM1 gangliosidosis. Last evaluated: 2021-06-15. Review status: criteria provided, single submitter. Criteria: ACMG Guidelines, 2015. Collection method: clinical testing. Allele origin: germline. Affected: no.

Pars Genome Lab
Classification: Benign for Mucopolysaccharidosis, MPS-IV-B. Last evaluated: 2021-06-15. Review status: criteria provided, single submitter. Criteria: ACMG Guidelines, 2015. Collection method: clinical testing. Allele origin: germline. Affected: no.

Illumina Laboratory Services, Illumina
Classification: Likely benign for GM1 gangliosidosis. Last evaluated: 2017-04-27. Review status: criteria provided, single submitter. Criteria: ICSL Variant Classification Criteria 13 December 2019. Collection method: clinical testing. Allele origin: germline.
Comment: This variant was observed as part of a predisposition screen in an ostensibly healthy population. A literature search was performed for the gene, cDNA change, and amino acid change (where applicable). No publications were found based on this search. Allele frequency data from public databases allowed determination this variant is unlikely to cause disease. Therefore, this variant is classified as likely benign.

Illumina Laboratory Services, Illumina
Classification: Likely benign for Mucopolysaccharidosis, MPS-IV-B. Last evaluated: 2017-04-27. Review status: criteria provided, single submitter. Criteria: ICSL Variant Classification Criteria 13 December 2019. Collection method: clinical testing. Allele origin: germline.
Comment: the same text as in the submission from Illumina Laboratory Services, Illumina above.

Eurofins Ntd Llc (ga)
Classification: Benign. Last evaluated: 2015-10-27. Review status: criteria provided, single submitter. Criteria: EGL Classification Definitions 2015. Collection method: clinical testing. Allele origin: germline. Observed: 11 variant alleles, 9 heterozygotes, 2 homozygotes.

GeneDx
Classification: Benign. Last evaluated: 2015-03-03. Review status: criteria provided, single submitter. Criteria: GeneDx Variant Classification Process June 2021. Collection method: clinical testing. Allele origin: germline. Affected: yes.

Breakthrough Genomics
Classification: Likely benign. Review status: criteria provided, single submitter. Criteria: ACMG Guidelines, 2015. Collection method: not provided. Allele origin: germline. Inheritance: Autosomal recessive inheritance. Affected: yes.

PreventionGenetics, part of Exact Sciences
Classification: Benign. Review status: criteria provided, single submitter. Criteria: ACMG Guidelines, 2015. Collection method: clinical testing. Allele origin: germline.

Mayo Clinic Laboratories, Mayo Clinic
Classification: Benign. Last evaluated: 2016-02-03. Review status: no assertion criteria provided. Collection method: clinical testing. Allele origin: unknown. Not counted in ClinVar's aggregate classification.